The following is an entry in ClinVar:

ClinVar aggregate classification (germline): Uncertain significance (1 of 4 stars; one submission).

Allele frequency attached by ClinVar (database versions not stated): gnomAD exomes 0.00001; ExAC 0.00002.
gnomAD v4.1: 6 of 1,614,012 alleles (0.00037%); highest among the groups gnomAD compares: Admixed American, 0.01%; no homozygotes.

Submission:

Labcorp Genetics (formerly Invitae), Labcorp
Classification: Uncertain significance. Last evaluated: 2021-11-29. Review status: criteria provided, single submitter. Criteria: Invitae Variant Classification Sherloc (09022015). Collection method: clinical testing. Allele origin: germline.
Comment: This sequence change falls in intron 28 of the TRPM6 gene. It does not directly change the encoded amino acid sequence of the TRPM6 protein. It affects a nucleotide within the consensus splice site. This variant is present in population databases (rs772583655, gnomAD 0.009%). This variant has not been reported in the literature in individuals affected with TRPM6-related conditions. Variants that disrupt the consensus splice site are a relatively common cause of aberrant splicing (PMID: 17576681, 9536098). Algorithms developed to predict the effect of sequence changes on RNA splicing suggest that this variant may disrupt the consensus splice site. In summary, the available evidence is currently insufficient to determine the role of this variant in disease. Therefore, it has been classified as a Variant of Uncertain Significance.

Literature cited by the submitters: PubMed 17576681; PubMed 9536098.

NM_017662.5(TRPM6):c.4906+3A>C

Gene: TRPM6 (transient receptor potential cation channel subfamily M member 6; minus strand). Cytogenetic location: 9q21.13.
Variant type: single nucleotide variant.
Coding change: c.4906+3A>C on transcript NM_017662.5 (MANE Select); 3 bases into the intron after coding-DNA position 4906, A replaced by C.
Molecular consequence: intron variant.
Genome position (GRCh38, 1-based): chr9:74,755,350, T>G on the plus strand (A>C on the coding strand, the complement: TRPM6 is on the minus strand). VCF-style: chr9-74755350-T-G. GRCh37 (hg19) VCF-style: chr9-77370266-T-G.
Other names: c.4891+3A>C (NM_001177310.2, NM_001177311.2).
Identifiers: ClinVar variation 1357927 (VCV001357927.3), dbSNP rs772583655, ClinGen allele CA5083999.
Genomic context (GRCh38, chr9:74,755,350, plus strand): 5'-AGACCGTACCCTGAGAAAACCCCACCAGGGTTTTTGGGATCCAAAATTGTAGATGTTACA[T>G]ACCTGTGTGACTAAATTTGGACACTGTGAACCAGTTCTTGCTGTACTCCTCTTCAGAGAT-3'